The following is an entry in ClinVar:

ClinVar aggregate classification (germline): Uncertain significance (1 of 4 stars; one submission).

gnomAD v4.1: 71 of 1,613,974 alleles (0.0044%); highest among the groups gnomAD compares: Middle Eastern, 0.049%; no homozygotes.

Submission:

Labcorp Genetics (formerly Invitae), Labcorp
Classification: Uncertain significance. Last evaluated: 2023-10-09. Review status: criteria provided, single submitter. Criteria: Invitae Variant Classification Sherloc (09022015). Collection method: clinical testing. Allele origin: germline.
Comment: This sequence change replaces alanine, which is neutral and non-polar, with serine, which is neutral and polar, at codon 486 of the LRIT3 protein (p.Ala486Ser). This variant is present in population databases (rs2347131, gnomAD 0.004%). This variant has not been reported in the literature in individuals affected with LRIT3-related conditions. ClinVar contains an entry for this variant (Variation ID: 933758). An algorithm developed to predict the effect of missense changes on protein structure and function (PolyPhen-2) suggests that this variant¬†is likely to be tolerated. In summary, the available evidence is currently insufficient to determine the role of this variant in disease. Therefore, it has been classified as a Variant of Uncertain Significance.

NM_198506.5(LRIT3):c.1456G>T (p.Ala486Ser)

Gene: LRIT3 (leucine rich repeat, Ig-like and transmembrane domains 3; plus strand). Cytogenetic location: 4q25.
Variant type: single nucleotide variant.
Coding change: c.1456G>T on transcript NM_198506.5 (MANE Select); coding-DNA position 1456, G replaced by T.
Protein change: p.Ala486Ser; replaces alanine 486 with serine.
Molecular consequence: missense variant.
Genome position (GRCh38, 1-based): chr4:109,870,205, G>T. VCF-style: chr4-109870205-G-T. GRCh37 (hg19) VCF-style: chr4-110791361-G-T.
Other names: short protein forms A486S.
Identifiers: ClinVar variation 933758 (VCV000933758.4), dbSNP rs2347131, ClinGen allele CA3043192.
Genomic context (GRCh38, chr4:109,870,205, plus strand): 5'-ACAAGTAAGAAAGAAGAGCTGGCATTGTTGGATCAAACAATGCTTACGGAGACAAATGCC[G>T]CAATAGAAAACCTCAGGGTGGTCAGTGAGACTAAAGAGAGTGTGACATTGACGTGGAATA-3'
Protein context (NP_940908.3, residues 476-496): DQTMLTETNA[Ala486Ser]IENLRVVSET